The following is an entry in ClinVar:

NM_003238.6(TGFB2):c.371G>A (p.Arg124Lys)

Gene: TGFB2 (transforming growth factor beta 2; plus strand). Cytogenetic location: 1q41.
Variant type: single nucleotide variant.
Coding change: c.371G>A on transcript NM_003238.6 (MANE Select); coding-DNA position 371, G replaced by A.
Protein change: p.Arg124Lys; replaces arginine 124 with lysine.
Molecular consequence: missense variant. On other transcripts: non-coding transcript variant (2).
Genome position (GRCh38, 1-based): chr1:218,405,193, G>A. VCF-style: chr1-218405193-G-A. GRCh37 (hg19) VCF-style: chr1-218578535-G-A.
Other names: p.R124K:AGA>AAA; c.455G>A, p.Arg152Lys (NM_001135599.4); short protein forms R124K, R152K.
Identifiers: ClinVar variation 213837 (VCV000213837.8), dbSNP rs863223789, ClinGen allele CA324799.
Genomic context (GRCh38, chr1:218,405,193, plus strand): 5'-TTTATCATTTTCAATGATTGCCCTAATTTTTTACAGATGCCATCCCGCCCACTTTCTACA[G>A]ACCCTACTTCAGAATTGTTCGATTTGACGTCTCAGCAATGGAGAAGAATGCTTCCAATTT-3'
Protein context (NP_003229.1, residues 114-134): SENAIPPTFY[Arg124Lys]PYFRIVRFDV

ClinVar aggregate classification (germline): Uncertain significance. Review status: criteria provided, multiple submitters, no conflicts (2 of 4 stars). 2 submissions from 2 submitters: Uncertain significance (2). Last evaluated 2024-08-29.

Conditions:
Loeys-Dietz syndrome 4 (LDS4). Also called: ANEURYSM, AORTIC AND CEREBRAL, WITH ARTERIAL TORTUOSITY AND SKELETAL MANIFESTATIONS; TGFB2-Related Loeys-Dietz Syndrome. Identifiers: MedGen C3553762, MONDO:0013897, OMIM 614816.

Allele frequency attached by ClinVar (database versions not stated): TOPMed below 0.00001; gnomAD 0.00001; gnomAD exomes 0.00001.
gnomAD v4.1: 10 of 1,602,846 alleles (0.00062%); highest among the groups gnomAD compares: Admixed American, 0.0017%; no homozygotes.

Submissions (2):

Labcorp Genetics (formerly Invitae), Labcorp
Classification: Uncertain significance for Loeys-Dietz syndrome 4. Last evaluated: 2024-08-29. Review status: criteria provided, single submitter. Criteria: Invitae Variant Classification Sherloc (09022015). Collection method: clinical testing. Allele origin: germline.
Comment: This sequence change replaces arginine, which is basic and polar, with lysine, which is basic and polar, at codon 124 of the TGFB2 protein (p.Arg124Lys). This variant is not present in population databases (gnomAD no frequency). This variant has not been reported in the literature in individuals affected with TGFB2-related conditions. ClinVar contains an entry for this variant (Variation ID: 213837). Invitae Evidence Modeling of protein sequence and biophysical properties (such as structural, functional, and spatial information, amino acid conservation, physicochemical variation, residue mobility, and thermodynamic stability) indicates that this missense variant is not expected to disrupt TGFB2 protein function with a negative predictive value of 80%. In summary, the available evidence is currently insufficient to determine the role of this variant in disease. Therefore, it has been classified as a Variant of Uncertain Significance.

GeneDx
Classification: Uncertain significance. Last evaluated: 2020-03-27. Review status: criteria provided, single submitter. Criteria: GeneDx Variant Classification Process June 2021. Collection method: clinical testing. Allele origin: germline. Affected: yes.
Comment: Not observed in large population cohorts (Lek et al., 2016); In silico analysis supports that this missense variant does not alter protein structure/function; Has not been previously published as pathogenic or benign to our knowledge